The following is an entry in ClinVar:

NM_000179.3(MSH6):c.3141G>A (p.Trp1047Ter)

Gene: MSH6 (mutS homolog 6; plus strand). Cytogenetic location: 2p16.3.
Variant type: single nucleotide variant.
Coding change: c.3141G>A on transcript NM_000179.3 (MANE Select); coding-DNA position 3141, G replaced by A.
Protein change: p.Trp1047Ter; replaces tryptophan 1047 with a stop codon.
Molecular consequence: nonsense.
Genome position (GRCh38, 1-based): chr2:47,801,124, G>A. VCF-style: chr2-47801124-G-A. GRCh37 (hg19) VCF-style: chr2-48028263-G-A.
Other names: c.2751G>A, p.Trp917Ter (NM_001281492.2); c.2235G>A, p.Trp745Ter (NM_001281493.2, NM_001281494.2); c.3141G>A (NM_000179.2); short protein forms W745*, W917*, W1047*.
Identifiers: ClinVar variation 973403 (VCV000973403.8), dbSNP rs1553414554, ClinGen allele CA346756689.
Genomic context (GRCh38, chr2:47,801,124, plus strand): 5'-ATCATTGAAGGACTGCATGCGGCGACTGTTCTATAACTTTGATAAAAATTACAAGGACTG[G>A]CAGTCTGCTGTAGAGTGTATCGCAGTGTTGGGTAAGACTTTGAACAAGCTTGTTCTCAGG-3'

ClinVar aggregate classification (germline): Pathogenic. Review status: criteria provided, multiple submitters, no conflicts (2 of 4 stars). 4 submissions from 4 submitters: Pathogenic (3). 1 of the submissions does not count toward it. Last evaluated 2023-09-09.

Conditions:
Hereditary nonpolyposis colorectal neoplasms. Identifiers: MedGen C0009405, MeSH D003123.
Hereditary cancer-predisposing syndrome. Also called: Hereditary Cancer Syndrome; Hereditary neoplastic syndrome; Tumor predisposition; Neoplastic Syndromes, Hereditary. Identifiers: Orphanet 140162, MedGen C0027672, MeSH D009386, MONDO:0015356.
Lynch-like syndrome.
Lynch syndrome 5 (LYNCH5). Also called: Colorectal cancer, hereditary nonpolyposis, type 5; Hereditary non-polyposis colorectal cancer, type 5. Identifiers: Orphanet 144, MedGen C1833477, MONDO:0013710, OMIM 614350. Disease mechanism: loss of function.

Submissions (4):

Labcorp Genetics (formerly Invitae), Labcorp
Classification: Pathogenic for Hereditary nonpolyposis colorectal neoplasms. Last evaluated: 2023-09-09. Review status: criteria provided, single submitter. Criteria: Invitae Variant Classification Sherloc (09022015). Collection method: clinical testing. Allele origin: germline.
Comment: This sequence change creates a premature translational stop signal (p.Trp1047*) in the MSH6 gene. It is expected to result in an absent or disrupted protein product. Loss-of-function variants in MSH6 are known to be pathogenic (PMID: 18269114, 24362816). This variant is not present in population databases (gnomAD no frequency). This premature translational stop signal has been observed in individual(s) with colorectal cancer (PMID: 25559809). ClinVar contains an entry for this variant (Variation ID: 973403). For these reasons, this variant has been classified as Pathogenic.

Myriad Genetics, Inc.
Classification: Pathogenic for Lynch syndrome 5. Last evaluated: 2023-08-22. Review status: criteria provided, single submitter. Criteria: Myriad Autosomal Dominant, Autosomal Recessive and X-Linked Classification Criteria (2023). Collection method: clinical testing. Allele origin: unknown.
Comment: This variant is considered pathogenic. This variant creates a termination codon and is predicted to result in premature protein truncation.

Ambry Genetics
Classification: Pathogenic for Hereditary cancer-predisposing syndrome. Last evaluated: 2022-11-30. Review status: criteria provided, single submitter. Criteria: Ambry Variant Classification Scheme 2023. Collection method: clinical testing. Allele origin: germline.
Comment: The p.W1047* pathogenic mutation (also known as c.3141G>A), located in coding exon 4 of the MSH6 gene, results from a G to A substitution at nucleotide position 3141. This changes the amino acid from a tryptophan to a stop codon within coding exon 4. In addition to the clinical data presented in the literature, this alteration is expected to result in loss of function by premature protein truncation or nonsense-mediated mRNA decay. As such, this alteration is interpreted as a disease-causing mutation.

Constitutional Genetics Lab, Leon Berard Cancer Center
Classification: Pathogenic for Lynch-like syndrome. Last evaluated: 2019-07-01. Review status: no assertion criteria provided. Collection method: clinical testing. Allele origin: somatic. Affected: yes. Not counted in ClinVar's aggregate classification.

Literature cited by the submitters: PubMed 18269114 (cited by Labcorp Genetics (formerly Invitae), Labcorp); PubMed 24362816 (cited by Labcorp Genetics (formerly Invitae), Labcorp); PubMed 25559809 (cited by Labcorp Genetics (formerly Invitae), Labcorp and Ambry Genetics).